The following is an entry in ClinVar:

ClinVar aggregate classification (germline): Uncertain significance (1 of 4 stars; one submission).

Submission:

Labcorp Genetics (formerly Invitae), Labcorp
Classification: Uncertain significance. Last evaluated: 2024-02-03. Review status: criteria provided, single submitter. Criteria: Invitae Variant Classification Sherloc (09022015). Collection method: clinical testing. Allele origin: germline.
Comment: This sequence change falls in intron 6 of the DEAF1 gene. It does not directly change the encoded amino acid sequence of the DEAF1 protein. This variant is not present in population databases (gnomAD no frequency). This variant has not been reported in the literature in individuals affected with DEAF1-related conditions. Algorithms developed to predict the effect of sequence changes on RNA splicing suggest that this variant may disrupt the consensus splice site. In summary, the available evidence is currently insufficient to determine the role of this variant in disease. Therefore, it has been classified as a Variant of Uncertain Significance.

NM_021008.4(DEAF1):c.871-9C>A

Gene: DEAF1 (DEAF1 transcription factor; minus strand). Cytogenetic location: 11p15.5.
Variant type: single nucleotide variant.
Coding change: c.871-9C>A on transcript NM_021008.4 (MANE Select); 9 bases into the intron before coding-DNA position 871, C replaced by A.
Molecular consequence: intron variant.
Genome position (GRCh38, 1-based): chr11:681,098, G>T on the plus strand (C>A on the coding strand, the complement: DEAF1 is on the minus strand). VCF-style: chr11-681098-G-T. GRCh37 (hg19) VCF-style: chr11-681098-G-T.
Other names: c.145-9C>A (NM_001367390.1, NM_001440885.1, NM_001440887.1 and 1 more transcripts); c.731-1282C>A (NM_001293634.2); c.871-9C>A (NM_001440884.1, NM_001440883.1).
Identifiers: ClinVar variation 3636758 (VCV003636758.2).